The following is an entry in ClinVar:

NM_015978.3(TNNI3K):c.1648C>T (p.Leu550Phe)

Genes: FPGT-TNNI3K (FPGT-TNNI3K readthrough; plus strand), TNNI3K (TNNI3 interacting kinase; plus strand). Cytogenetic location: 1p31.1.
Variant type: single nucleotide variant.
Coding change: c.1648C>T on transcript NM_015978.3 (MANE Select); coding-DNA position 1648, C replaced by T.
Protein change: p.Leu550Phe; replaces leucine 550 with phenylalanine.
Molecular consequence: missense variant.
Genome position (GRCh38, 1-based): chr1:74,369,566, C>T. VCF-style: chr1-74369566-C-T. GRCh37 (hg19) VCF-style: chr1-74835250-C-T.
Other names: c.1951C>T, p.Leu651Phe (NM_001112808.3, NM_001199327.2); short protein forms L550F, L651F.
Identifiers: ClinVar variation 2192584 (VCV002192584.4), dbSNP rs201538953, ClinGen allele CA909347.

ClinVar aggregate classification (germline): Uncertain significance (1 of 4 stars; one submission).

Allele frequency attached by ClinVar (database versions not stated): gnomAD 0.00001; ExAC 0.00002; TOPMed 0.00002; gnomAD exomes 0.00004.
gnomAD v4.1: 58 of 1,608,940 alleles (0.0036%); highest among the groups gnomAD compares: Non-Finnish European, 0.0047%; no homozygotes.

Submission:

Labcorp Genetics (formerly Invitae), Labcorp
Classification: Uncertain significance. Last evaluated: 2025-12-20. Review status: criteria provided, single submitter. Criteria: Invitae Variant Classification Sherloc (09022015). Collection method: clinical testing. Allele origin: germline.
Comment: This sequence change replaces leucine, which is neutral and non-polar, with phenylalanine, which is neutral and non-polar, at codon 550 of the TNNI3K protein (p.Leu550Phe). This variant is present in population databases (rs201538953, gnomAD 0.006%). This variant has not been reported in the literature in individuals affected with TNNI3K-related conditions. ClinVar contains an entry for this variant (Variation ID: 2192584). Invitae Evidence Modeling of protein sequence and biophysical properties (such as structural, functional, and spatial information, amino acid conservation, physicochemical variation, residue mobility, and thermodynamic stability) indicates that this missense variant is not expected to disrupt TNNI3K protein function with a negative predictive value of 80%. In summary, the available evidence is currently insufficient to determine the role of this variant in disease. Therefore, it has been classified as a Variant of Uncertain Significance.